The following is an entry in ClinVar:

ClinVar aggregate classification (germline): Uncertain significance (1 of 4 stars; one submission).

gnomAD v4.1: 3 of 1,614,006 alleles (0.00019%); highest among the groups gnomAD compares: South Asian, 0.0022%; no homozygotes.

Submission:

Labcorp Genetics (formerly Invitae), Labcorp
Classification: Uncertain significance. Last evaluated: 2024-09-11. Review status: criteria provided, single submitter. Criteria: Invitae Variant Classification Sherloc (09022015). Collection method: clinical testing. Allele origin: germline.
Comment: This sequence change replaces glycine, which is neutral and non-polar, with serine, which is neutral and polar, at codon 1242 of the SPTBN2 protein (p.Gly1242Ser). This variant is not present in population databases (gnomAD no frequency). This variant has not been reported in the literature in individuals affected with SPTBN2-related conditions. Invitae Evidence Modeling of protein sequence and biophysical properties (such as structural, functional, and spatial information, amino acid conservation, physicochemical variation, residue mobility, and thermodynamic stability) indicates that this missense variant is not expected to disrupt SPTBN2 protein function with a negative predictive value of 80%. In summary, the available evidence is currently insufficient to determine the role of this variant in disease. Therefore, it has been classified as a Variant of Uncertain Significance.

NM_006946.4(SPTBN2):c.3724G>A (p.Gly1242Ser)

Gene: SPTBN2 (spectrin beta, non-erythrocytic 2; minus strand). Cytogenetic location: 11q13.2.
Variant type: single nucleotide variant.
Coding change: c.3724G>A on transcript NM_006946.4 (MANE Select); coding-DNA position 3724, G replaced by A.
Protein change: p.Gly1242Ser; replaces glycine 1242 with serine.
Molecular consequence: missense variant.
Genome position (GRCh38, 1-based): chr11:66,699,458, C>T on the plus strand (G>A on the coding strand, the complement: SPTBN2 is on the minus strand). VCF-style: chr11-66699458-C-T. GRCh37 (hg19) VCF-style: chr11-66466929-C-T.
Other names: c.3745G>A, p.Gly1249Ser (NM_001411025.1); short protein forms G1242S, G1249S.
Identifiers: ClinVar variation 3665098 (VCV003665098.2).